The following is an entry in ClinVar:

ClinVar aggregate classification (germline): Benign. Review status: criteria provided, multiple submitters, no conflicts (2 of 4 stars). 2 submissions from 2 submitters: Benign (2). Last evaluated 2018-01-12.

Conditions:
Dilated cardiomyopathy 1DD (CMD1DD). Identifiers: Orphanet 154, MedGen C2750995, MONDO:0013168, OMIM 613172.

Allele frequency attached by ClinVar (database versions not stated): gnomAD 0.11850 and 0.12236; TOPMed 0.13390; 1000 Genomes Project 30x 0.17614; 1000 Genomes Project 0.17951.

Submissions (2):

Illumina Laboratory Services, Illumina
Classification: Benign for Dilated cardiomyopathy 1DD. Last evaluated: 2018-01-12. Review status: criteria provided, single submitter. Criteria: ICSL Variant Classification Criteria 13 December 2019. Collection method: clinical testing. Allele origin: germline.
Comment: This variant was observed in the ICSL laboratory as part of a predisposition screen in an ostensibly healthy population. It had not been previously curated by ICSL or reported in the Human Gene Mutation Database (HGMD: prior to June 1st, 2018), and was therefore a candidate for classification through an automated scoring system. Utilizing variant allele frequency, disease prevalence and penetrance estimates, and inheritance mode, an automated score was calculated to assess if this variant is too frequent to cause the disease. Based on the score and internal cut-off values, a variant classified as benign is not then subjected to further curation. The score for this variant resulted in a classification of benign for this disease.

Breakthrough Genomics
Classification: Benign. Review status: criteria provided, single submitter. Criteria: ACMG Guidelines, 2015. Collection method: not provided. Allele origin: germline. Inheritance: Autosomal dominant inheritance. Affected: yes.

NM_001134363.3(RBM20):c.*834G>T

Gene: RBM20 (RNA binding motif protein 20; plus strand). Cytogenetic location: 10q25.2.
Variant type: single nucleotide variant.
Coding change: c.*834G>T on transcript NM_001134363.3 (MANE Select); 834 bases downstream of the stop codon, G replaced by T.
Molecular consequence: 3 prime UTR variant.
Genome position (GRCh38, 1-based): chr10:110,836,812, G>T. VCF-style: chr10-110836812-G-T. GRCh37 (hg19) VCF-style: chr10-112596570-G-T.
Other names: c.*834G>T (LRG_382t1).
Identifiers: ClinVar variation 298820 (VCV000298820.6), dbSNP rs874241, ClinGen allele CA10634608.
Genomic context (GRCh38, chr10:110,836,812, plus strand): 5'-TCCTCTTGATTTCAGGAGATGTCAGGGTTTTTCTATTCTGGACAATGAATTTGGTACAGA[G>T]TCACTGTAATTAAATATAAAAACAGAAGCATCTTCCTCCAGCTAAAGCAGCAGTTGGCGC-3'